The following is an entry in ClinVar:

ClinVar aggregate classification (germline): Benign/Likely benign. Review status: criteria provided, multiple submitters, no conflicts (2 of 4 stars). 9 submissions from 9 submitters: Benign (6); Likely benign (1). 2 of the submissions do not count toward it. Last evaluated 2026-02-04.

Conditions:
Brugada syndrome 8 (BRGDA8). Identifiers: Orphanet 130, MedGen C2751083, MONDO:0013148, OMIM 613123.
Sick sinus syndrome 2, autosomal dominant (SSS2). Also called: SICK SINUS SYNDROME 2; SICK SINUS SYNDROME 2 WITH OR WITHOUT CARDIAC NONCOMPACTION AND/OR ASCENDING AORTA DILATION; SINUS BRADYCARDIA SYNDROME, FAMILIAL, AUTOSOMAL DOMINANT; SINUS NODE DISEASE, FAMILIAL, AUTOSOMAL DOMINANT; ATRIAL FIBRILLATION WITH BRADYARRHYTHMIA. Identifiers: Orphanet 166282, MedGen C1834144, MONDO:0008102, OMIM 163800.

Allele frequency attached by ClinVar (database versions not stated): 1000 Genomes Project 0.00339; ExAC 0.00677; gnomAD exomes 0.00711 and 0.01216; gnomAD 0.00716 and 0.00720; TOPMed 0.00722; ESP Exome Variant Server 0.01062.
gnomAD v4.1: 18,661 of 1,613,398 alleles (1.2%); highest among the groups gnomAD compares: Non-Finnish European, 1.4%; 131 homozygotes.

Submissions (9):

Labcorp Genetics (formerly Invitae), Labcorp
Classification: Benign for Brugada syndrome 8. Last evaluated: 2026-02-04. Review status: criteria provided, single submitter. Criteria: Invitae Variant Classification Sherloc (09022015). Collection method: clinical testing. Allele origin: germline.

ARUP Laboratories, Molecular Genetics and Genomics, ARUP Laboratories
Classification: Benign. Last evaluated: 2025-07-28. Review status: criteria provided, single submitter. Criteria: ARUP Molecular Germline Variant Investigation Process 2024. Collection method: clinical testing. Allele origin: germline.

Blueprint Genetics
Classification: Likely benign. Last evaluated: 2024-11-27. Review status: criteria provided, single submitter. Criteria: ACMG Guidelines, 2015. Collection method: clinical testing. Allele origin: germline.

Women's Health and Genetics/Laboratory Corporation of America, LabCorp
Classification: Benign. Last evaluated: 2023-04-10. Review status: criteria provided, single submitter. Criteria: LabCorp Variant Classification Summary - May 2015. Collection method: clinical testing. Allele origin: germline.

Illumina Laboratory Services, Illumina
Classification: Benign for Sick sinus syndrome 2, autosomal dominant. Last evaluated: 2018-01-12. Review status: criteria provided, single submitter. Criteria: ICSL Variant Classification Criteria 13 December 2019. Collection method: clinical testing. Allele origin: germline.
Comment: This variant was observed in the ICSL laboratory as part of a predisposition screen in an ostensibly healthy population. It had not been previously curated by ICSL or reported in the Human Gene Mutation Database (HGMD: prior to June 1st, 2018), and was therefore a candidate for classification through an automated scoring system. Utilizing variant allele frequency, disease prevalence and penetrance estimates, and inheritance mode, an automated score was calculated to assess if this variant is too frequent to cause the disease. Based on the score and internal cut-off values, a variant classified as benign is not then subjected to further curation. The score for this variant resulted in a classification of benign for this disease.

GeneDx
Classification: Benign. Last evaluated: 2014-03-21. Review status: criteria provided, single submitter. Criteria: GeneDx Variant Classification (06012015). Collection method: clinical testing. Allele origin: germline. Affected: yes.
Comment: This variant is considered likely benign or benign based on one or more of the following criteria: it is a conservative change, it occurs at a poorly conserved position in the protein, it is predicted to be benign by multiple in silico algorithms, and/or has population frequency not consistent with disease.

Breakthrough Genomics
Classification: Benign. Review status: criteria provided, single submitter. Criteria: ACMG Guidelines, 2015. Collection method: not provided. Allele origin: germline. Inheritance: Autosomal dominant inheritance. Affected: yes.

Clinical Genetics, Academic Medical Center
Classification: Benign. Review status: no assertion criteria provided. Collection method: clinical testing. Allele origin: germline. Affected: yes. Study: VKGL Data-share Consensus. Not counted in ClinVar's aggregate classification.

Joint Genome Diagnostic Labs from Nijmegen and Maastricht, Radboudumc and MUMC+
Classification: Benign. Review status: no assertion criteria provided. Collection method: clinical testing. Allele origin: germline. Affected: yes. Study: VKGL Data-share Consensus. Not counted in ClinVar's aggregate classification.

NM_005477.3(HCN4):c.1591-19C>A

Gene: HCN4 (hyperpolarization activated cyclic nucleotide gated potassium channel 4; minus strand). Cytogenetic location: 15q24.1.
Variant type: single nucleotide variant.
Coding change: c.1591-19C>A on transcript NM_005477.3 (MANE Select); 19 bases into the intron before coding-DNA position 1591, C replaced by A.
Molecular consequence: intron variant.
Genome position (GRCh38, 1-based): chr15:73,325,463, G>T on the plus strand (C>A on the coding strand, the complement: HCN4 is on the minus strand). VCF-style: chr15-73325463-G-T. GRCh37 (hg19) VCF-style: chr15-73617804-G-T.
Identifiers: ClinVar variation 137540 (VCV000137540.24), dbSNP rs41279186, ClinGen allele CA291168.